The following is an entry in ClinVar:

NM_001379403.1(WDR26):c.1642A>G (p.Ser548Gly)

Gene: WDR26 (WD repeat domain 26; minus strand). Cytogenetic location: 1q42.12.
Variant type: single nucleotide variant.
Coding change: c.1642A>G on transcript NM_001379403.1 (MANE Select); coding-DNA position 1642, A replaced by G.
Protein change: p.Ser548Gly; replaces serine 548 with glycine.
Molecular consequence: missense variant.
Genome position (GRCh38, 1-based): chr1:224,401,027, T>C on the plus strand (A>G on the coding strand, the complement: WDR26 is on the minus strand). VCF-style: chr1-224401027-T-C. GRCh37 (hg19) VCF-style: chr1-224588729-T-C.
Other names: c.1294A>G, p.Ser432Gly (NM_001115113.3); c.1342A>G, p.Ser448Gly (NM_025160.7); short protein forms S432G, S448G, S548G.
Identifiers: ClinVar variation 1313699 (VCV001313699.2), dbSNP rs2102894017, ClinGen allele CA344748002.

ClinVar aggregate classification (germline): Uncertain significance (1 of 4 stars; one submission).

gnomAD v4.1: 1 of 1,614,114 alleles (0.000062%); no homozygotes.

Submission:

GeneDx
Classification: Uncertain significance. Last evaluated: 2020-12-01. Review status: criteria provided, single submitter. Criteria: GeneDx Variant Classification Process June 2021. Collection method: clinical testing. Allele origin: germline. Affected: yes.
Comment: Not observed in large population cohorts (Lek et al., 2016); In silico analysis supports that this missense variant has a deleterious effect on protein structure/function; Has not been previously published as pathogenic or benign to our knowledge